The following is an entry in ClinVar:

NM_000051.4(ATM):c.454G>C (p.Val152Leu)

Gene: ATM (ATM serine/threonine kinase; plus strand). Cytogenetic location: 11q22.3.
Variant type: single nucleotide variant.
Coding change: c.454G>C on transcript NM_000051.4 (MANE Select); coding-DNA position 454, G replaced by C.
Protein change: p.Val152Leu; replaces valine 152 with leucine.
Molecular consequence: missense variant.
Genome position (GRCh38, 1-based): chr11:108,235,792, G>C. VCF-style: chr11-108235792-G-C. GRCh37 (hg19) VCF-style: chr11-108106519-G-C.
Other names: c.454G>C, p.Val152Leu (NM_001351834.2); short protein forms V152L.
Identifiers: ClinVar variation 3452544 (VCV003452544.1).

ClinVar aggregate classification (germline): Uncertain significance. Review status: criteria provided, multiple submitters, no conflicts (2 of 4 stars). 2 submissions from 2 submitters: Uncertain significance (2). Last evaluated 2025-07-02.

Conditions:
Ataxia-telangiectasia syndrome (AT). Also called: AT, COMPLEMENTATION GROUP C; Cerebello-oculocutaneous telangiectasia; Immunodeficiency with ataxia telangiectasia; Ataxia-telangiectasia, complementation group D; Ataxia-telangiectasia; LOUIS-BAR SYNDROME. Identifiers: Orphanet 100, MedGen C0004135, MONDO:0008840, OMIM 208900.
Hereditary cancer-predisposing syndrome. Also called: Hereditary Cancer Syndrome; Hereditary neoplastic syndrome; Neoplastic Syndromes, Hereditary; Tumor predisposition. Identifiers: Orphanet 140162, MedGen C0027672, MeSH D009386, MONDO:0015356.

gnomAD v4.1: 3 of 1,613,848 alleles (0.00019%); highest among the groups gnomAD compares: African/African-American, 0.0027%; no homozygotes.

Submissions (2):

Labcorp Genetics (formerly Invitae), Labcorp
Classification: Uncertain significance for Ataxia-telangiectasia syndrome. Last evaluated: 2025-07-02. Review status: criteria provided, single submitter. Criteria: Invitae Variant Classification Sherloc (09022015). Collection method: clinical testing. Allele origin: germline.
Comment: This sequence change replaces valine, which is neutral and non-polar, with leucine, which is neutral and non-polar, at codon 152 of the ATM protein (p.Val152Leu). This variant is not present in population databases (gnomAD no frequency). This variant has not been reported in the literature in individuals affected with ATM-related conditions. ClinVar contains an entry for this variant (Variation ID: 3452544). Invitae Evidence Modeling of protein sequence and biophysical properties (such as structural, functional, and spatial information, amino acid conservation, physicochemical variation, residue mobility, and thermodynamic stability) indicates that this missense variant is not expected to disrupt ATM protein function with a negative predictive value of 95%. In summary, the available evidence is currently insufficient to determine the role of this variant in disease. Therefore, it has been classified as a Variant of Uncertain Significance.

Ambry Genetics
Classification: Uncertain significance for Hereditary cancer-predisposing syndrome. Last evaluated: 2024-11-12. Review status: criteria provided, single submitter. Criteria: Ambry Variant Classification Scheme 2023. Collection method: clinical testing. Allele origin: germline.
Comment: The p.V152L variant (also known as c.454G>C), located in coding exon 4 of the ATM gene, results from a G to C substitution at nucleotide position 454. The valine at codon 152 is replaced by leucine, an amino acid with highly similar properties. This amino acid position is highly conserved in available vertebrate species. In addition, the in silico prediction for this alteration is inconclusive. Based on the available evidence, the clinical significance of this variant remains unclear.